The following is an entry in ClinVar:

ClinVar aggregate classification (germline): Uncertain significance (1 of 4 stars; one submission).

Conditions:
MHC class II deficiency. Also called: Bare lymphocyte syndrome 2; BLS, TYPE II. Identifiers: Orphanet 572, MedGen C5447452, MONDO:0008855.

Submission:

Labcorp Genetics (formerly Invitae), Labcorp
Classification: Uncertain significance for MHC class II deficiency. Last evaluated: 2020-02-23. Review status: criteria provided, single submitter. Criteria: Invitae Variant Classification Sherloc (09022015). Collection method: clinical testing. Allele origin: germline.
Comment: This variant, c.108_125del, results in the deletion of 6 amino acid(s) of the RFXAP protein (p.Val37_Ser42del), but otherwise preserves the integrity of the reading frame. The frequency data for this variant in the population databases is considered unreliable, as metrics indicate insufficient coverage at this position in the ExAC database. This variant has not been reported in the literature in individuals with RFXAP-related conditions. Experimental studies and prediction algorithms are not available for this variant, and the functional significance of the affected amino acid(s) is currently unknown. In summary, the available evidence is currently insufficient to determine the role of this variant in disease. Therefore, it has been classified as a Variant of Uncertain Significance.

NM_000538.4(RFXAP):c.108_125del (p.Val37_Ser42del)

Genes: RFXAP (regulatory factor X associated protein; plus strand), LOC130009573 (ATAC-STARR-seq lymphoblastoid silent region 5267; plus strand). Cytogenetic location: 13q13.3.
Variant type: Deletion.
Coding change: c.108_125del on transcript NM_000538.4 (MANE Select); coding-DNA positions 108 to 125, 18 bases deleted (GGTGGCGGCCGCGGCCTC).
Protein change: p.Val37_Ser42del.
Molecular consequence: inframe deletion.
Genome position (GRCh38, 1-based): chr13:36,819,465-36,819,482, GGTGGCGGCCGCGGCCTC deleted; deleting any 18 consecutive bases within chr13:36,819,460-36,819,482 gives the same sequence; the c. name uses the placement nearest the transcript's 3' end. VCF-style (leftmost placement, unchanged base first): chr13-36819459-AGCCTCGGTGGCGGCCGCG-A. GRCh37 (hg19) VCF-style: chr13-37393596-AGCCTCGGTGGCGGCCGCG-A.
Identifiers: ClinVar variation 936518 (VCV000936518.10), dbSNP rs1266956441, ClinGen allele CA609452413.